The following is an entry in ClinVar:

NC_000009.12:g.35658017C>T

Gene: RMRP (RNA component of mitochondrial RNA processing endoribonuclease; minus strand). Cytogenetic location: 9p13.3.
Variant type: single nucleotide variant.
Genome position: GRCh38 VCF-style: chr9-35658017-C-T. GRCh37 (hg19) VCF-style: chr9-35658014-C-T.
Identifiers: ClinVar variation 2083305 (VCV002083305.2), dbSNP rs905844277, ClinGen allele CA192745735.

ClinVar aggregate classification (germline): Uncertain significance. Review status: criteria provided, multiple submitters, no conflicts (2 of 4 stars). 2 submissions from 2 submitters: Uncertain significance (2). Last evaluated 2024-07-05.

Conditions:
Anauxetic dysplasia. Identifiers: Orphanet 93347, MedGen C1846796, MONDO:0011773.

gnomAD v4.1: 29 of 690,272 alleles (0.0042%); highest among the groups gnomAD compares: African/African-American, 0.021%; no homozygotes.

Submissions (2):

Blueprint Genetics
Classification: Uncertain significance. Last evaluated: 2024-07-05. Review status: criteria provided, single submitter. Criteria: ACMG Guidelines, 2015. Collection method: clinical testing. Allele origin: germline.

Labcorp Genetics (formerly Invitae), Labcorp
Classification: Uncertain significance for Anauxetic dysplasia. Last evaluated: 2022-07-19. Review status: criteria provided, single submitter. Criteria: Invitae Variant Classification Sherloc (09022015). Collection method: clinical testing. Allele origin: germline.
Comment: This variant occurs in the RMRP gene, which encodes an RNA molecule that does not result in a protein product. This variant is present in population databases (no rsID available, gnomAD 0.03%). This variant has not been reported in the literature in individuals affected with RMRP-related conditions. Algorithms developed to predict the effect of sequence changes on RNA splicing suggest that this variant may disrupt the consensus splice site. In summary, the available evidence is currently insufficient to determine the role of this variant in disease. Therefore, it has been classified as a Variant of Uncertain Significance.